The following is an entry in ClinVar:

NM_000742.4(CHRNA2):c.320C>G (p.Thr107Ser)

Gene: CHRNA2 (cholinergic receptor nicotinic alpha 2 subunit; minus strand). Cytogenetic location: 8p21.2.
Variant type: single nucleotide variant.
Coding change: c.320C>G on transcript NM_000742.4 (MANE Select); coding-DNA position 320, C replaced by G.
Protein change: p.Thr107Ser; replaces threonine 107 with serine.
Molecular consequence: missense variant. On other transcripts: 5 prime UTR variant (4).
Genome position (GRCh38, 1-based): chr8:27,469,354, G>C on the plus strand (C>G on the coding strand, the complement: CHRNA2 is on the minus strand). VCF-style: chr8-27469354-G-C. GRCh37 (hg19) VCF-style: chr8-27326871-G-C.
Other names: c.275C>G, p.Thr92Ser (NM_001282455.2); c.-153C>G (NM_001347705.2, NM_001347706.2); c.-139C>G (NM_001347707.2); c.-142C>G (NM_001347708.2); short protein forms T107S, T92S.
Identifiers: ClinVar variation 1314283 (VCV001314283.2), dbSNP rs1320480004, ClinGen allele CA370812740.

ClinVar aggregate classification (germline): Uncertain significance (1 of 4 stars; one submission).

Allele frequency attached by ClinVar (database versions not stated): gnomAD exomes below 0.00001 and 0.00001; TOPMed below 0.00001.
gnomAD v4.1: 3 of 1,557,160 alleles (0.00019%); highest among the groups gnomAD compares: South Asian, 0.0024%; 1 homozygote.

Submission:

GeneDx
Classification: Uncertain significance. Last evaluated: 2021-03-30. Review status: criteria provided, single submitter. Criteria: GeneDx Variant Classification Process June 2021. Collection method: clinical testing. Allele origin: germline. Affected: yes.
Comment: Has not been previously published as pathogenic or benign to our knowledge; Not observed at a significant frequency in large population cohorts (Lek et al., 2016); In silico analysis supports that this missense variant has a deleterious effect on protein structure/function